The following is an entry in ClinVar:

ClinVar aggregate classification (germline): Uncertain significance (1 of 4 stars; one submission).

Submission:

GeneDx
Classification: Uncertain significance. Last evaluated: 2024-07-28. Review status: criteria provided, single submitter. Criteria: GeneDx Variant Classification Process June 2021. Collection method: clinical testing. Allele origin: germline. Affected: yes.
Comment: Not observed at significant frequency in large population cohorts (gnomAD); In silico analysis supports that this missense variant has a deleterious effect on protein structure/function; Has not been previously published as pathogenic or benign to our knowledge

NM_001379200.1(TBX1):c.409A>T (p.Thr137Ser)

Gene: TBX1 (T-box transcription factor 1; plus strand). Cytogenetic location: 22q11.21.
Variant type: single nucleotide variant.
Coding change: c.409A>T on transcript NM_001379200.1 (MANE Select); coding-DNA position 409, A replaced by T.
Protein change: p.Thr137Ser; replaces threonine 137 with serine.
Molecular consequence: missense variant.
Genome position (GRCh38, 1-based): chr22:19,761,252, A>T. VCF-style: chr22-19761252-A-T. GRCh37 (hg19) VCF-style: chr22-19748775-A-T.
Other names: c.382A>T, p.Thr128Ser (NM_005992.1, NM_080646.2, NM_080647.1); short protein forms T128S, T137S.
Identifiers: ClinVar variation 3602343 (VCV003602343.1).